The following is an entry in ClinVar:

ClinVar aggregate classification (germline): Uncertain significance (1 of 4 stars; one submission).

Conditions:
TH-deficient dopa-responsive dystonia. Also called: Tyrosine Hydroxylase-Deficient Dopa-Responsive Dystonia; Segawa syndrome, autosomal recessive; DYT-TH. Identifiers: Orphanet 101150, MedGen C2673535, MONDO:0011551, OMIM 605407.

Allele frequency attached by ClinVar (database versions not stated): gnomAD 0.00001; gnomAD exomes 0.00001 and 0.00011; TOPMed 0.00002.
gnomAD v4.1: 144 of 1,513,770 alleles (0.0095%); highest among the groups gnomAD compares: Non-Finnish European, 0.012%; no homozygotes.

Submission:

Labcorp Genetics (formerly Invitae), Labcorp
Classification: Uncertain significance for TH-deficient dopa-responsive dystonia. Last evaluated: 2022-03-02. Review status: criteria provided, single submitter. Criteria: Invitae Variant Classification Sherloc (09022015). Collection method: clinical testing. Allele origin: germline.
Comment: This sequence change replaces histidine, which is basic and polar, with tyrosine, which is neutral and polar, at codon 142 of the TH protein (p.His142Tyr). This variant is present in population databases (no rsID available, gnomAD 0.003%). This variant has not been reported in the literature in individuals affected with TH-related conditions. Advanced modeling of protein sequence and biophysical properties (such as structural, functional, and spatial information, amino acid conservation, physicochemical variation, residue mobility, and thermodynamic stability) performed at Invitae indicates that this missense variant is not expected to disrupt TH protein function. In summary, the available evidence is currently insufficient to determine the role of this variant in disease. Therefore, it has been classified as a Variant of Uncertain Significance.

NM_000360.4(TH):c.331C>T (p.His111Tyr)

Gene: TH (tyrosine hydroxylase; minus strand). Cytogenetic location: 11p15.5.
Variant type: single nucleotide variant.
Coding change: c.331C>T on transcript NM_000360.4 (MANE Select); coding-DNA position 331, C replaced by T.
Protein change: p.His111Tyr; replaces histidine 111 with tyrosine.
Molecular consequence: missense variant.
Genome position (GRCh38, 1-based): chr11:2,168,647, G>A on the plus strand (C>T on the coding strand, the complement: TH is on the minus strand). VCF-style: chr11-2168647-G-A. GRCh37 (hg19) VCF-style: chr11-2189877-G-A.
Other names: c.424C>T, p.His142Tyr (NM_199292.3); c.412C>T, p.His138Tyr (NM_199293.3); short protein forms H111Y, H138Y, H142Y.
Identifiers: ClinVar variation 1407096 (VCV001407096.5), dbSNP rs911394543, ClinGen allele CA216287878.